The following is an entry in ClinVar:

NM_001393769.1(MED12L):c.5157T>A (p.Ala1719=)

Gene: MED12L (mediator complex subunit 12L; plus strand). Cytogenetic location: 3q25.1.
Variant type: single nucleotide variant.
Coding change: c.5157T>A on transcript NM_001393769.1 (MANE Select); coding-DNA position 5157, T replaced by A.
Protein change: p.Ala1719=; no amino-acid change (alanine 1719 retained).
Molecular consequence: synonymous variant.
Genome position (GRCh38, 1-based): chr3:151,387,878, T>A. VCF-style: chr3-151387878-T-A. GRCh37 (hg19) VCF-style: chr3-151105666-T-A.
Other names: c.5052T>A, p.Ala1684= (NM_053002.6).
Identifiers: ClinVar variation 4874957 (VCV004874957.2).

ClinVar aggregate classification (germline): Likely benign (1 of 4 stars; one submission).

Submission:

CeGaT Center for Human Genetics Tuebingen
Classification: Likely benign. Last evaluated: 2026-05-01. Review status: criteria provided, single submitter. Criteria: CeGaT Center For Human Genetics Tuebingen Variant Classification Criteria Version 2. Collection method: clinical testing. Allele origin: germline. Affected: yes. Observed: 1 variant allele.
Comment: MED12L: PM2:Supporting, BP4, BP7